The following is an entry in ClinVar:

ClinVar aggregate classification (germline): Uncertain significance (1 of 4 stars; one submission).

Conditions:
Lethal multiple pterygium syndrome (LMPS). Identifiers: Orphanet 33108, MedGen C1854678, MONDO:0009668, OMIM 253290.

Allele frequency attached by ClinVar (database versions not stated): ExAC 0.00001; gnomAD exomes 0.00001.
gnomAD v4.1: 18 of 1,613,932 alleles (0.0011%); highest among the groups gnomAD compares: Non-Finnish European, 0.0015%; no homozygotes.

Submission:

Labcorp Genetics (formerly Invitae), Labcorp
Classification: Uncertain significance for Lethal multiple pterygium syndrome. Last evaluated: 2025-02-04. Review status: criteria provided, single submitter. Criteria: Invitae Variant Classification Sherloc (09022015). Collection method: clinical testing. Allele origin: germline.
Comment: This sequence change replaces threonine, which is neutral and polar, with serine, which is neutral and polar, at codon 237 of the CHRND protein (p.Thr237Ser). This variant is present in population databases (rs765619567, gnomAD 0.003%). This variant has not been reported in the literature in individuals affected with CHRND-related conditions. ClinVar contains an entry for this variant (Variation ID: 2914132). Invitae Evidence Modeling of protein sequence and biophysical properties (such as structural, functional, and spatial information, amino acid conservation, physicochemical variation, residue mobility, and thermodynamic stability) has been performed for this missense variant. However, the output from this modeling did not meet the statistical confidence thresholds required to predict the impact of this variant on CHRND protein function. In summary, the available evidence is currently insufficient to determine the role of this variant in disease. Therefore, it has been classified as a Variant of Uncertain Significance.

NM_000751.3(CHRND):c.709A>T (p.Thr237Ser)

Gene: CHRND (cholinergic receptor nicotinic delta subunit; plus strand). Cytogenetic location: 2q37.1.
Variant type: single nucleotide variant.
Coding change: c.709A>T on transcript NM_000751.3 (MANE Select); coding-DNA position 709, A replaced by T.
Protein change: p.Thr237Ser; replaces threonine 237 with serine.
Molecular consequence: missense variant. On other transcripts: intron variant (1).
Genome position (GRCh38, 1-based): chr2:232,530,028, A>T. VCF-style: chr2-232530028-A-T. GRCh37 (hg19) VCF-style: chr2-233394738-A-T.
Other names: c.664A>T, p.Thr222Ser (NM_001256657.2); c.406A>T, p.Thr136Ser (NM_001311196.2); c.239-1324A>T (NM_001311195.2); short protein forms T222S, T136S, T237S.
Identifiers: ClinVar variation 2914132 (VCV002914132.3), dbSNP rs765619567, ClinGen allele CA2168123.
Genomic context (GRCh38, chr2:232,530,028, plus strand): 5'-CCGGCCAGGGTCAACGTGGACCCCAGAGCCCCTCTGGACAGCCCCAGCCGCCAGGACATC[A>T]CCTTCTACCTCATCATCCGCCGCAAGCCCCTCTTCTACATCATCAACATCCTGGTGCCCT-3'
Protein context (NP_000742.1, residues 227-247): PLDSPSRQDI[Thr237Ser]FYLIIRRKPL